The following is an entry in ClinVar:

ClinVar aggregate classification (germline): Uncertain significance (1 of 4 stars; one submission).

Conditions:
Wilms tumor 1 (WT1). Also called: Wilms tumor, somatic. Identifiers: Orphanet 654, MedGen CN033288, MONDO:0008679, OMIM 194070.
Drash syndrome (DDS). Also called: NEPHROPATHY, WILMS TUMOR, AND GENITAL ANOMALIES; WILMS TUMOR AND PSEUDO- OR TRUE HERMAPHRODITISM. Identifiers: Orphanet 220, MedGen C0950121, MONDO:0008682, OMIM 194080.
Frasier syndrome. Identifiers: Orphanet 347, MedGen C0950122, MeSH D052159, MONDO:0007635, OMIM 136680.
11p partial monosomy syndrome (WAGR). Also called: CHROMOSOME 11p13 DELETION SYNDROME; WAGR Spectrum Disorder; WAGR syndrome; WAGR Complex. Identifiers: Orphanet 893, MedGen C0206115, MONDO:0008681, OMIM 194072.

Allele frequency attached by ClinVar (database versions not stated): gnomAD exomes below 0.00001.
gnomAD v4.1: 1 of 1,614,098 alleles (0.000062%); highest among the groups gnomAD compares: South Asian, 0.0011%; no homozygotes.

Submission:

Labcorp Genetics (formerly Invitae), Labcorp
Classification: Uncertain significance for Wilms tumor 1; Drash syndrome; 11p partial monosomy syndrome; Frasier syndrome. Last evaluated: 2023-07-31. Review status: criteria provided, single submitter. Criteria: Invitae Variant Classification Sherloc (09022015). Collection method: clinical testing. Allele origin: germline.
Comment: In summary, the available evidence is currently insufficient to determine the role of this variant in disease. Therefore, it has been classified as a Variant of Uncertain Significance. Variants that disrupt the consensus splice site are a relatively common cause of aberrant splicing (PMID: 17576681, 9536098). Algorithms developed to predict the effect of sequence changes on RNA splicing suggest that this variant may create or strengthen a splice site. This variant has not been reported in the literature in individuals affected with WT1-related conditions. This variant is present in population databases (no rsID available, gnomAD 0.003%). This sequence change falls in intron 2 of the WT1 gene. It does not directly change the encoded amino acid sequence of the WT1 protein. It affects a nucleotide within the consensus splice site.

Literature cited by the submitters: PubMed 17576681; PubMed 9536098.

NM_024426.6(WT1):c.784+5G>A

Gene: WT1 (WT1 transcription factor; minus strand). Cytogenetic location: 11p13.
Variant type: single nucleotide variant.
Coding change: c.784+5G>A on transcript NM_024426.6 (MANE Select); 5 bases into the intron after coding-DNA position 784, G replaced by A.
Molecular consequence: intron variant.
Genome position (GRCh38, 1-based): chr11:32,428,492, C>T on the plus strand (G>A on the coding strand, the complement: WT1 is on the minus strand). VCF-style: chr11-32428492-C-T. GRCh37 (hg19) VCF-style: chr11-32450038-C-T.
Other names: c.662-434G>A (NM_001407050.1, NM_001407047.1); c.784+5G>A (NM_001407048.1, NM_001407049.1, NM_000378.6 and 4 more transcripts); c.22+5G>A (NM_001407051.1); c.133+5G>A (NM_001198552.2, NM_001198551.2).
Identifiers: ClinVar variation 2924920 (VCV002924920.3), dbSNP rs1304832753, ClinGen allele CA598396166.